The following is an entry in ClinVar:

ClinVar aggregate classification (germline): Uncertain significance (1 of 4 stars; one submission).

Allele frequency attached by ClinVar (database versions not stated): gnomAD 0.00001; gnomAD exomes 0.00001.
gnomAD v4.1: 11 of 1,208,810 alleles (0.00091%); highest among the groups gnomAD compares: Non-Finnish European, 0.0012%; no homozygotes.

Submission:

Labcorp Genetics (formerly Invitae), Labcorp
Classification: Uncertain significance. Last evaluated: 2023-12-09. Review status: criteria provided, single submitter. Criteria: Invitae Variant Classification Sherloc (09022015). Collection method: clinical testing. Allele origin: germline.
Comment: This sequence change replaces arginine, which is basic and polar, with glutamine, which is neutral and polar, at codon 102 of the SH3KBP1 protein (p.Arg102Gln). This variant is present in population databases (no rsID available, gnomAD 0.003%). This variant has not been reported in the literature in individuals affected with SH3KBP1-related conditions. Advanced modeling of protein sequence and biophysical properties (such as structural, functional, and spatial information, amino acid conservation, physicochemical variation, residue mobility, and thermodynamic stability) performed at Invitae indicates that this missense variant is not expected to disrupt SH3KBP1 protein function with a negative predictive value of 80%. In summary, the available evidence is currently insufficient to determine the role of this variant in disease. Therefore, it has been classified as a Variant of Uncertain Significance.

NM_031892.3(SH3KBP1):c.305G>A (p.Arg102Gln)

Gene: SH3KBP1 (SH3 domain containing kinase binding protein 1; minus strand). Cytogenetic location: Xp22.12.
Variant type: single nucleotide variant.
Coding change: c.305G>A on transcript NM_031892.3 (MANE Select); coding-DNA position 305, G replaced by A.
Protein change: p.Arg102Gln; replaces arginine 102 with glutamine.
Molecular consequence: missense variant.
Genome position (GRCh38, 1-based): chrX:19,706,966, C>T on the plus strand (G>A on the coding strand, the complement: SH3KBP1 is on the minus strand). VCF-style: chrX-19706966-C-T. GRCh37 (hg19) VCF-style: chrX-19725084-C-T.
Other names: c.194G>A, p.Arg65Gln (NM_001024666.3); c.305G>A, p.Arg102Gln (NM_001353890.2, NM_001353891.2, NM_001353892.2 and 2 more transcripts); c.128G>A, p.Arg43Gln (NM_001353893.2, NM_001353894.2, NM_001353895.2 and 1 more transcripts); short protein forms R43Q, R65Q, R102Q.
Identifiers: ClinVar variation 2704255 (VCV002704255.3), dbSNP rs1386870517, ClinGen allele CA412500669.